The following is an entry in ClinVar:

ClinVar aggregate classification (germline): Uncertain significance (0 of 4 stars; one submission).

Conditions:
PLXNA2-related disorder. Also called: PLXNA2-related condition.

Submission:

PreventionGenetics, part of Exact Sciences
Classification: Uncertain significance for PLXNA2-related condition. Last evaluated: 2024-03-27. Review status: no assertion criteria provided. Collection method: clinical testing. Allele origin: germline.
Comment: The PLXNA2 c.5226-3C>G variant is predicted to interfere with splicing. To our knowledge, this variant has not been reported in the literature or in a large population database, indicating this variant is rare. This variant is predicted to alter splicing based on available splicing prediction software (SpliceAI, Jaganathan et al. 2019. PubMed ID: 30661751). However, the use of computer prediction softwares is not equivalent to functional evidence. At this time, the clinical significance of this variant is uncertain due to the absence of conclusive functional and genetic evidence.

NM_025179.4(PLXNA2):c.5226-3C>G

Gene: PLXNA2 (plexin A2; minus strand). Cytogenetic location: 1q32.2.
Variant type: single nucleotide variant.
Coding change: c.5226-3C>G on transcript NM_025179.4 (MANE Select); 3 bases into the intron before coding-DNA position 5226, C replaced by G.
Molecular consequence: intron variant.
Genome position (GRCh38, 1-based): chr1:208,029,045, G>C on the plus strand (C>G on the coding strand, the complement: PLXNA2 is on the minus strand). VCF-style: chr1-208029045-G-C. GRCh37 (hg19) VCF-style: chr1-208202390-G-C.
Identifiers: ClinVar variation 3348167 (VCV003348167.1).
Genomic context (GRCh38, chr1:208,029,045, plus strand): 5'-GATGTCAAACACGAACTGGGGGTTCTTAATCACGTTCACCCAGAAGCGCAGAGGGAGGCT[G>C]TGGGGAAAGGCAGAGAAGACTTGAGAATGCATGCGGGCCGTGCCCCTTCTGCTGCCCACT-3'